The following is an entry in ClinVar:

ClinVar aggregate classification (germline): Uncertain significance (0 of 4 stars; one submission).

Conditions:
CHAMP1-related disorder. Also called: CHAMP1-related condition.

Allele frequency attached by ClinVar (database versions not stated): TOPMed below 0.00001; ExAC 0.00001.
gnomAD v4.1: 7 of 1,614,176 alleles (0.00043%); highest among the groups gnomAD compares: East Asian, 0.0022%; no homozygotes.

Submission:

PreventionGenetics, part of Exact Sciences
Classification: Uncertain significance for CHAMP1-related condition. Last evaluated: 2023-12-05. Review status: no assertion criteria provided. Collection method: clinical testing. Allele origin: germline.
Comment: The CHAMP1 c.1382C>T variant is predicted to result in the amino acid substitution p.Ala461Val. To our knowledge, this variant has not been reported in the literature. This variant is reported in 0.00088% of alleles in individuals of European (Non-Finnish) descent in gnomAD. At this time, the clinical significance of this variant is uncertain due to the absence of conclusive functional and genetic evidence.

NM_032436.4(CHAMP1):c.1382C>T (p.Ala461Val)

Gene: CHAMP1 (chromosome alignment maintaining phosphoprotein 1; plus strand). Cytogenetic location: 13q34.
Variant type: single nucleotide variant.
Coding change: c.1382C>T on transcript NM_032436.4 (MANE Select); coding-DNA position 1382, C replaced by T.
Protein change: p.Ala461Val; replaces alanine 461 with valine.
Molecular consequence: missense variant.
Genome position (GRCh38, 1-based): chr13:114,325,224, C>T. VCF-style: chr13-114325224-C-T. GRCh37 (hg19) VCF-style: chr13-115090699-C-T.
Other names: c.1382C>T, p.Ala461Val (NM_001164144.3, NM_001164145.3); short protein forms A461V.
Identifiers: ClinVar variation 3052946 (VCV003052946.2), dbSNP rs782561524, ClinGen allele CA7070803.
Genomic context (GRCh38, chr13:114,325,224, plus strand): 5'-AACCCTCAGGGTCACCAGATCTTTGGAAGCTTTCTCCTGATCAGCGGAAAACTTCTCCTG[C>T]TTCACTTGATTTCCCTGAGTCCCAGAAAAGTTCCCGTGGTGGTTCTCCTGATCTCTGGAA-3'
Protein context (NP_115812.1, residues 451-471): LSPDQRKTSP[Ala461Val]SLDFPESQKS